The following is an entry in ClinVar:

NM_006080.3(SEMA3A):c.450T>C (p.Pro150=)

Gene: SEMA3A (semaphorin 3A; minus strand). Cytogenetic location: 7q21.11.
Variant type: single nucleotide variant.
Coding change: c.450T>C on transcript NM_006080.3 (MANE Select); coding-DNA position 450, T replaced by C.
Protein change: p.Pro150=; no amino-acid change (proline 150 retained).
Molecular consequence: synonymous variant.
Genome position (GRCh38, 1-based): chr7:84,110,473, A>G on the plus strand (T>C on the coding strand, the complement: SEMA3A is on the minus strand). VCF-style: chr7-84110473-A-G. GRCh37 (hg19) VCF-style: chr7-83739789-A-G.
Identifiers: ClinVar variation 3355168 (VCV003355168.1).

ClinVar aggregate classification (germline): Likely benign (0 of 4 stars; one submission).

Conditions:
SEMA3A-related disorder. Also called: SEMA3A-related condition.

gnomAD v4.1: 1 of 1,613,868 alleles (0.000062%); highest among the groups gnomAD compares: Non-Finnish European, 0.000085%; no homozygotes.

Submission:

PreventionGenetics, part of Exact Sciences
Classification: Likely benign for SEMA3A-related condition. Last evaluated: 2021-11-18. Review status: no assertion criteria provided. Collection method: clinical testing. Allele origin: germline.
Comment: This variant is classified as likely benign based on ACMG/AMP sequence variant interpretation guidelines (Richards et al. 2015 PMID: 25741868, with internal and published modifications).